The following is an entry in ClinVar:

ClinVar aggregate classification (germline): Uncertain significance. Review status: criteria provided, multiple submitters, no conflicts (2 of 4 stars). 2 submissions from 2 submitters: Uncertain significance (2). Last evaluated 2025-11-04.

Conditions:
Neurodevelopmental disorder with cataracts, poor growth, and dysmorphic facies. Identifiers: MedGen C5231414, MONDO:0032817, OMIM 618571.

Allele frequency attached by ClinVar (database versions not stated): TOPMed 0.00003; ExAC 0.00002; gnomAD 0.00003.
gnomAD v4.1: 10 of 1,595,856 alleles (0.00063%); highest among the groups gnomAD compares: African/African-American, 0.008%; no homozygotes.

Submissions (2):

Dasa
Classification: Uncertain significance. Last evaluated: 2025-11-04. Review status: criteria provided, single submitter. Criteria: DASA Assertion Criteria. Collection method: clinical testing. Allele origin: germline.
Comment: NM_001080453.3(INTS1):c.5776G>A (p.Glu1926Lys) is a missense variant that results in the substitution of glutamic acid with lysine. This variant is rare in population databases. Computational prediction algorithms are consistent with a benign effect. The currently available literature and clinical evidence are not sufficient to establish a definitive association between this variant and the reported condition. Therefore, this variant is classified as a variant of uncertain significance.

Victorian Clinical Genetics Services, Murdoch Childrens Research Institute
Classification: Uncertain significance for Neurodevelopmental disorder with cataracts, poor growth, and dysmorphic facies. Last evaluated: 2020-05-26. Review status: criteria provided, single submitter. Criteria: ACMG Guidelines, 2015. Collection method: clinical testing. Allele origin: germline. Inheritance: Autosomal recessive inheritance. Affected: yes.
Comment: Based on the classification scheme VCGS_Germline_v1.1.1, this variant is classified as 3C-VUS. Following criteria are met: 0102 - Loss-of-function is a known mechanism of disease for this gene. (N) 0106 - This gene is known to be associated with autosomal recessive disease. (N) 0200 - Variant is predicted to result in a missense amino acid change from glutamic acid to lysine (exon 41). (N) 0251 - Variant is heterozygous. (N) 0304 - Variant is present in gnomAD <0.01 for a recessive condition (5 heterozygotes, 0 homozygotes). (P) 0503 - Missense variant consistently predicted to be tolerated or not conserved in mammals with a minor amino acid change. (B) 0604 - Variant is not located in an established domain, motif, hotspot or informative constraint region. (N) 0705 - No comparable variants have previous evidence for pathogenicity. (N) 0807 - Variant has not previously been reported in a clinical context. (N) 0905 - No segregation evidence has been identified for this variant. (N) 1007 - No published functional evidence has been identified for this variant. (N) 1208 - Inheritance information for this variant is not currently available. (N) Legend: (P) - Pathogenic, (N) - Neutral, (B) - Benign

NM_001080453.3(INTS1):c.5776G>A (p.Glu1926Lys)

Gene: INTS1 (integrator complex subunit 1; minus strand). Cytogenetic location: 7p22.3.
Variant type: single nucleotide variant.
Coding change: c.5776G>A on transcript NM_001080453.3 (MANE Select); coding-DNA position 5776, G replaced by A.
Protein change: p.Glu1926Lys; replaces glutamic acid 1926 with lysine.
Molecular consequence: missense variant.
Genome position (GRCh38, 1-based): chr7:1,474,221, C>T on the plus strand (G>A on the coding strand, the complement: INTS1 is on the minus strand). VCF-style: chr7-1474221-C-T. GRCh37 (hg19) VCF-style: chr7-1513857-C-T.
Other names: c.2293G>A, p.Glu765Lys (NM_015674.1); short protein forms E1926K, E765K.
Identifiers: ClinVar variation 1806064 (VCV001806064.3), dbSNP rs746675569, ClinGen allele CA4118294.